The following is an entry in ClinVar:

ClinVar aggregate classification (germline): Uncertain significance (1 of 4 stars; one submission).

Allele frequency attached by ClinVar (database versions not stated): ExAC 0.00001; gnomAD 0.00001.
gnomAD v4.1: 4 of 1,613,676 alleles (0.00025%); highest among the groups gnomAD compares: Non-Finnish European, 0.00034%; no homozygotes.

Submission:

Labcorp Genetics (formerly Invitae), Labcorp
Classification: Uncertain significance. Last evaluated: 2023-04-30. Review status: criteria provided, single submitter. Criteria: Invitae Variant Classification Sherloc (09022015). Collection method: clinical testing. Allele origin: germline.
Comment: In summary, the available evidence is currently insufficient to determine the role of this variant in disease. Therefore, it has been classified as a Variant of Uncertain Significance. Experimental studies and prediction algorithms are not available or were not evaluated, and the functional significance of this variant is currently unknown. This variant has not been reported in the literature in individuals affected with TUBB2B-related conditions. This variant is present in population databases (rs769330039, gnomAD 0.002%). This sequence change replaces aspartic acid, which is acidic and polar, with glutamic acid, which is acidic and polar, at codon 443 of the TUBB2B protein (p.Asp443Glu).

NM_178012.5(TUBB2B):c.1329C>G (p.Asp443Glu)

Gene: TUBB2B (tubulin beta 2B class IIb; minus strand). Cytogenetic location: 6p25.2.
Variant type: single nucleotide variant.
Coding change: c.1329C>G on transcript NM_178012.5 (MANE Select); coding-DNA position 1329, C replaced by G.
Protein change: p.Asp443Glu; replaces aspartic acid 443 with glutamic acid.
Molecular consequence: missense variant.
Genome position (GRCh38, 1-based): chr6:3,224,760, G>C on the plus strand (C>G on the coding strand, the complement: TUBB2B is on the minus strand). VCF-style: chr6-3224760-G-C. GRCh37 (hg19) VCF-style: chr6-3224994-G-C.
Other names: short protein forms D443E.
Identifiers: ClinVar variation 2991070 (VCV002991070.3), dbSNP rs769330039, ClinGen allele CA3619142.